The following is an entry in ClinVar:

NM_001367805.3(KIF23):c.877G>A (p.Val293Ile)

Gene: KIF23 (kinesin family member 23; plus strand). Cytogenetic location: 15q23.
Variant type: single nucleotide variant.
Coding change: c.877G>A on transcript NM_001367805.3 (MANE Select); coding-DNA position 877, G replaced by A.
Protein change: p.Val293Ile; replaces valine 293 with isoleucine.
Molecular consequence: missense variant. On other transcripts: non-coding transcript variant (2).
Genome position (GRCh38, 1-based): chr15:69,426,170, G>A. VCF-style: chr15-69426170-G-A. GRCh37 (hg19) VCF-style: chr15-69718509-G-A.
Other names: c.505G>A, p.Val169Ile (NM_001281301.2); c.835G>A, p.Val279Ile (NM_001367804.2, NM_004856.7, NM_138555.4); short protein forms V169I, V279I, V293I.
Identifiers: ClinVar variation 2397579 (VCV002397579.3), dbSNP rs2057185544, ClinGen allele CA393004689.

ClinVar aggregate classification (germline): Uncertain significance. Review status: criteria provided, multiple submitters, no conflicts (2 of 4 stars). 2 submissions from 2 submitters: Uncertain significance (2). Last evaluated 2025-12-03.

Allele frequency attached by ClinVar (database versions not stated): gnomAD exomes below 0.00001.

Submissions (2):

Labcorp Genetics (formerly Invitae), Labcorp
Classification: Uncertain significance. Last evaluated: 2025-12-03. Review status: criteria provided, single submitter. Criteria: Invitae Variant Classification Sherloc (09022015). Collection method: clinical testing. Allele origin: germline.
Comment: This sequence change replaces valine, which is neutral and non-polar, with isoleucine, which is neutral and non-polar, at codon 279 of the KIF23 protein (p.Val279Ile). This variant is not present in population databases (gnomAD no frequency). This variant has not been reported in the literature in individuals affected with KIF23-related conditions. ClinVar contains an entry for this variant (Variation ID: 2397579). Invitae Evidence Modeling of protein sequence and biophysical properties (such as structural, functional, and spatial information, amino acid conservation, physicochemical variation, residue mobility, and thermodynamic stability) indicates that this missense variant is not expected to disrupt KIF23 protein function with a negative predictive value of 80%. In summary, the available evidence is currently insufficient to determine the role of this variant in disease. Therefore, it has been classified as a Variant of Uncertain Significance.

Ambry Genetics
Classification: Uncertain significance. Last evaluated: 2022-09-06. Review status: criteria provided, single submitter. Criteria: Ambry Variant Classification Scheme 2023. Collection method: clinical testing. Allele origin: germline.